The following is an entry in ClinVar:

NM_005035.4(POLRMT):c.983dup (p.Lys329fs)

Gene: POLRMT (RNA polymerase mitochondrial; minus strand). Cytogenetic location: 19p13.3.
Variant type: Duplication.
Coding change: c.983dup on transcript NM_005035.4 (MANE Select); coding-DNA position 983, one base duplicated (T; older notation c.983dupT).
Protein change: p.Lys329fs; shifts the reading frame from lysine 329.
Molecular consequence: frameshift variant. On other transcripts: non-coding transcript variant (1).
Genome position (GRCh38, 1-based): chr19:624,876, A duplicated on the plus strand (T on the coding strand, the reverse complement: POLRMT is on the minus strand). VCF-style (leftmost placement, unchanged base first): chr19-624875-C-CA. GRCh37 (hg19) VCF-style: chr19-624875-C-CA.
Other names: c.983dup, p.Lys329fs (NM_001407805.1, NM_001407806.1, NM_001407807.1 and 10 more transcripts); c.941dup, p.Lys315fs (NM_001407811.1, NM_001407813.1); c.659dup, p.Lys221fs (NM_001407831.1, NM_001407833.1, NM_001407834.1 and 2 more transcripts); short protein forms K221fs, K315fs, K329fs.
Identifiers: ClinVar variation 4814169 (VCV004814169.1).

ClinVar aggregate classification (germline): Likely pathogenic (1 of 4 stars; one submission).

Conditions:
Combined oxidative phosphorylation deficiency 55 (COXPD55). Identifiers: MedGen C5676915, MONDO:0859228, OMIM 619743.

Submission:

OLLIN Analises Genomicas, OLLIN
Classification: Likely pathogenic for Combined oxidative phosphorylation deficiency 55. Last evaluated: 2026-02-13. Review status: criteria provided, single submitter. Criteria: ACMG Guidelines 2015 PMID 25741868. Collection method: clinical testing. Allele origin: germline. Observed: 1 variant allele.
Comment: PVS1, PM2_P